The following is an entry in ClinVar:

NM_002485.5(NBN):c.634C>G (p.Leu212Val)

Gene: NBN (nibrin; minus strand). Cytogenetic location: 8q21.3.
Variant type: single nucleotide variant.
Coding change: c.634C>G on transcript NM_002485.5 (MANE Select); coding-DNA position 634, C replaced by G.
Protein change: p.Leu212Val; replaces leucine 212 with valine.
Molecular consequence: missense variant.
Genome position (GRCh38, 1-based): chr8:89,971,241, G>C on the plus strand (C>G on the coding strand, the complement: NBN is on the minus strand). VCF-style: chr8-89971241-G-C. GRCh37 (hg19) VCF-style: chr8-90983469-G-C.
Other names: c.388C>G, p.Leu130Val (NM_001024688.3); short protein forms L130V, L212V.
Identifiers: ClinVar variation 3403078 (VCV003403078.1).
Genomic context (GRCh38, chr8:89,971,241, plus strand): 5'-CATTCAAAAATATAAATGTTTTCCCTTTGAAGATTTGTTTTCTTTCCTGCCGTCCTGACA[G>C]ATCAACATTTTTACTTCCAATAGATGGTTCATCAAGAGGTGGGTAAAAACTGTAAAAATA-3'
Protein context (NP_002476.2, residues 202-222): EPSIGSKNVD[Leu212Val]SGRQERKQIF

ClinVar aggregate classification (germline): Uncertain significance (1 of 4 stars; one submission).

Conditions:
Hereditary cancer-predisposing syndrome. Also called: Hereditary Cancer Syndrome; Tumor predisposition; Hereditary neoplastic syndrome; Neoplastic Syndromes, Hereditary. Identifiers: Orphanet 140162, MedGen C0027672, MeSH D009386, MONDO:0015356.

Submission:

Ambry Genetics
Classification: Uncertain significance for Hereditary cancer-predisposing syndrome. Last evaluated: 2024-11-14. Review status: criteria provided, single submitter. Criteria: Ambry Variant Classification Scheme 2023. Collection method: clinical testing. Allele origin: germline.
Comment: The p.L212V variant (also known as c.634C>G), located in coding exon 6 of the NBN gene, results from a C to G substitution at nucleotide position 634. The leucine at codon 212 is replaced by valine, an amino acid with highly similar properties. This amino acid position is conserved. In addition, the in silico prediction for this alteration is inconclusive. Based on the available evidence, the clinical significance of this variant remains unclear.